The following is an entry in ClinVar:

ClinVar aggregate classification (germline): Likely benign (1 of 4 stars; one submission).

gnomAD v4.1: 13 of 1,535,970 alleles (0.00085%); highest among the groups gnomAD compares: Non-Finnish European, 0.0007%; no homozygotes.

Submission:

CeGaT Center for Human Genetics Tuebingen
Classification: Likely benign. Last evaluated: 2026-08-01. Review status: criteria provided, single submitter. Criteria: CeGaT Center For Human Genetics Tuebingen Variant Classification Criteria Version 2. Collection method: clinical testing. Allele origin: germline. Affected: yes. Observed: 1 variant allele.
Comment: ZFHX2: BP4, BP7

NM_033400.3(ZFHX2):c.3462T>G (p.Thr1154=)

Genes: THTPA (thiamine triphosphatase; plus strand), ZFHX2 (zinc finger homeobox 2; minus strand). Cytogenetic location: 14q11.2.
Variant type: single nucleotide variant.
Coding change: c.3462T>G on transcript NM_033400.3 (MANE Select); coding-DNA position 3462, T replaced by G.
Protein change: p.Thr1154=; no amino-acid change (threonine 1154 retained).
Molecular consequence: synonymous variant.
Genome position (GRCh38, 1-based): chr14:23,526,480, A>C on the plus strand (T>G on the coding strand, the complement: ZFHX2 is on the minus strand). VCF-style: chr14-23526480-A-C. GRCh37 (hg19) VCF-style: chr14-23995689-A-C.
Identifiers: ClinVar variation 5039322 (VCV005039322.1).